The following is an entry in ClinVar:

ClinVar aggregate classification (germline): Pathogenic/Likely pathogenic. Review status: criteria provided, multiple submitters, no conflicts (2 of 4 stars). 3 submissions from 3 submitters: Pathogenic (1); Likely pathogenic (1). 1 of the submissions does not count toward it. Last evaluated 2025-10-10.

Conditions:
Mitochondrial complex I deficiency, nuclear type 16. Also called: Mitochondrial complex 1 deficiency, nuclear type 16. Identifiers: MedGen C4748785, MONDO:0032621, OMIM 618238.
Leigh syndrome (NULS). Also called: LEIGH SYNDROME, NUCLEAR; Leigh's necrotizing encephalopathy; Leigh's disease; Leigh Syndrome (mtDNA deletion); Leigh Disease; Leigh's syndrome. Identifiers: Orphanet 506, MedGen C2931891, MONDO:0009723, OMIM 256000.

Allele frequency attached by ClinVar (database versions not stated): gnomAD 0.00001; TOPMed 0.00001.
gnomAD v4.1: 1 of 152,228 alleles (0.00066%); highest among the groups gnomAD compares: Non-Finnish European, 0.0015%; no homozygotes.

Submissions (3):

Women's Health and Genetics/Laboratory Corporation of America, LabCorp
Classification: Likely pathogenic for Leigh syndrome. Last evaluated: 2025-10-10. Review status: criteria provided, single submitter. Criteria: LabCorp Variant Classification Summary - May 2015. Collection method: clinical testing. Allele origin: germline.
Comment: Variant summary: NDUFAF5 c.223-907A>C is located at a position not widely known to affect splicing. Several computational tools predict a significant impact on normal splicing: Three predict the variant creates a cryptic 3 acceptor site. At least two publications report experimental evidence that this variant affects mRNA splicing (Simon_2018, Ypez_2022). The variant was absent in 31404 control chromosomes (gnomAD). c.223-907A>C has been observed in individuals affected with clinical features of Leigh Syndrome (Simon_2018, Ypez_2022). These data indicate that the variant may be associated with disease. The following publications have been ascertained in the context of this evaluation (PMID: 34797029, 30473481, 35379322). ClinVar contains an entry for this variant (Variation ID: 1162277). Based on the evidence outlined above, the variant was classified as likely pathogenic.

Labcorp Genetics (formerly Invitae), Labcorp
Classification: Pathogenic. Last evaluated: 2024-01-24. Review status: criteria provided, single submitter. Criteria: Invitae Variant Classification Sherloc (09022015). Collection method: clinical testing. Allele origin: germline.
Comment: This sequence change falls in intron 1 of the NDUFAF5 gene. It does not directly change the encoded amino acid sequence of the NDUFAF5 protein. RNA analysis indicates that this variant induces altered splicing and may result in an absent or disrupted protein product. This variant is not present in population databases (gnomAD no frequency). This variant has been observed in individual(s) with clinical features of Leigh syndrome (PMID: 30473481, 35379322). In at least one individual the data is consistent with being in trans (on the opposite chromosome) from a pathogenic variant. ClinVar contains an entry for this variant (Variation ID: 1162277). Studies have shown that this variant results in activation of a cryptic splice site and introduces a premature termination codon (PMID: 30473481, 35379322). The resulting mRNA is expected to undergo nonsense-mediated decay. For these reasons, this variant has been classified as Pathogenic.

OMIM
Classification: Pathogenic for MITOCHONDRIAL COMPLEX I DEFICIENCY, NUCLEAR TYPE 16. Last evaluated: 2021-06-07. Review status: no assertion criteria provided. Collection method: literature only. Allele origin: germline. Not counted in ClinVar's aggregate classification.

Literature cited by the submitters: PubMed 30473481 (cited by 3 submitters); PubMed 35379322 (cited by Women's Health and Genetics/Laboratory Corporation of America, LabCorp and Labcorp Genetics (formerly Invitae), Labcorp); PubMed 34797029 (cited by Women's Health and Genetics/Laboratory Corporation of America, LabCorp).

NM_024120.5(NDUFAF5):c.223-907A>C

Gene: NDUFAF5 (NADH:ubiquinone oxidoreductase complex assembly factor 5; plus strand). Cytogenetic location: 20p12.1.
Variant type: single nucleotide variant.
Coding change: c.223-907A>C on transcript NM_024120.5 (MANE Select); 907 bases into the intron before coding-DNA position 223, A replaced by C.
Molecular consequence: intron variant.
Genome position (GRCh38, 1-based): chr20:13,786,405, A>C. VCF-style: chr20-13786405-A-C. GRCh37 (hg19) VCF-style: chr20-13767051-A-C.
Other names: IVS1AS, A-C, -907; c.-473-773A>C (NM_001352407.2); c.-359-907A>C (NM_001352406.2); c.223-907A>C (NM_001039375.3, NM_001352408.2); c.-145-907A>C (NM_001352403.2).
Identifiers: ClinVar variation 1162277 (VCV001162277.6), dbSNP rs1186667603, ClinGen allele CA741383974.